The following is an entry in ClinVar:

ClinVar aggregate classification (germline): Likely benign (1 of 4 stars; one submission).

Submission:

CeGaT Center for Human Genetics Tuebingen
Classification: Likely benign. Last evaluated: 2026-08-01. Review status: criteria provided, single submitter. Criteria: CeGaT Center For Human Genetics Tuebingen Variant Classification Criteria Version 2. Collection method: clinical testing. Allele origin: germline. Affected: yes. Observed: 1 variant allele.
Comment: NDST1: PM2:Supporting, BP4, BP7

NM_001543.5(NDST1):c.1317G>C (p.Val439=)

Gene: NDST1 (N-deacetylase and N-sulfotransferase 1; plus strand). Cytogenetic location: 5q33.1.
Variant type: single nucleotide variant.
Coding change: c.1317G>C on transcript NM_001543.5 (MANE Select); coding-DNA position 1317, G replaced by C.
Protein change: p.Val439=; no amino-acid change (valine 439 retained).
Molecular consequence: synonymous variant.
Genome position (GRCh38, 1-based): chr5:150,535,765, G>C. VCF-style: chr5-150535765-G-C. GRCh37 (hg19) VCF-style: chr5-149915327-G-C.
Other names: c.1317G>C, p.Val439= (NM_001301063.2).
Identifiers: ClinVar variation 5040704 (VCV005040704.1).
Genomic context (GRCh38, chr5:150,535,765, plus strand): 5'-TGGCATTCCCACAGACATGGGGTATGCAGTGGCGCCCCACCACTCGGGCGTGTACCCCGT[G>C]CACGTGCAGCTGTACGAGGCTTGGAAGCAGGTGTGGAGCATCCGCGTGACCAGCACGGAG-3'
Protein context (NP_001534.1, residues 429-449): VAPHHSGVYP[Val439=]HVQLYEAWKQ